The following is an entry in ClinVar:

NM_000384.3(APOB):c.9239C>A (p.Pro3080His)

Gene: APOB (apolipoprotein B; minus strand). Cytogenetic location: 2p24.1.
Variant type: single nucleotide variant.
Coding change: c.9239C>A on transcript NM_000384.3 (MANE Select); coding-DNA position 9239, C replaced by A.
Protein change: p.Pro3080His; replaces proline 3080 with histidine.
Molecular consequence: missense variant.
Genome position (GRCh38, 1-based): chr2:21,007,629, G>T on the plus strand (C>A on the coding strand, the complement: APOB is on the minus strand). VCF-style: chr2-21007629-G-T. GRCh37 (hg19) VCF-style: chr2-21230501-G-T.
Other names: short protein forms P3080H.
Identifiers: ClinVar variation 630627 (VCV000630627.13), dbSNP rs1429705510, ClinGen allele CA345990746.

ClinVar aggregate classification (germline): Uncertain significance. Review status: criteria provided, multiple submitters, no conflicts (2 of 4 stars). 2 submissions from 2 submitters: Uncertain significance (2). Last evaluated 2023-12-15.

Conditions:
Cardiovascular phenotype. Identifiers: MedGen CN230736.
Hypercholesterolemia, autosomal dominant, type B (FHCL2). Also called: APOB-Related Familial Hypercholesterolemia, Autosomal Dominant; Hyperlipoproteinemia Type IIb; Familial Hypercholesterolemia Type B; APOLIPOPROTEIN B-100, FAMILIAL DEFECTIVE; APOLIPOPROTEIN B-100, FAMILIAL LIGAND-DEFECTIVE; Familial hypercholesterolemia 2. Identifiers: MedGen C1704417, MONDO:0007751, OMIM 144010.
Familial hypobetalipoproteinemia 1. Also called: APOB-Related Familial Hypobetalipoproteinemia; Hypobetalipoproteinemia, normotriglyceridemic; Acanthocytosis with hypobetalipoproteinemia. Identifiers: MedGen C4551990, MONDO:0014252, OMIM 615558.

Allele frequency attached by ClinVar (database versions not stated): gnomAD exomes below 0.00001 and 0.00001.
gnomAD v4.1: 5 of 1,613,978 alleles (0.00031%); highest among the groups gnomAD compares: South Asian, 0.0044%; no homozygotes.

Submissions (2):

Ambry Genetics
Classification: Uncertain significance for Cardiovascular phenotype. Last evaluated: 2023-12-15. Review status: criteria provided, single submitter. Criteria: Ambry Variant Classification Scheme 2023. Collection method: clinical testing. Allele origin: germline.
Comment: The p.P3080H variant (also known as c.9239C>A), located in coding exon 26 of the APOB gene, results from a C to A substitution at nucleotide position 9239. The proline at codon 3080 is replaced by histidine, an amino acid with similar properties. This amino acid position is conserved. In addition, this alteration is predicted to be tolerated by in silico analysis. Since supporting evidence is limited at this time, the clinical significance of this alteration remains unclear.

Labcorp Genetics (formerly Invitae), Labcorp
Classification: Uncertain significance for Familial hypobetalipoproteinemia 1; Hypercholesterolemia, autosomal dominant, type B. Last evaluated: 2021-05-31. Review status: criteria provided, single submitter. Criteria: Invitae Variant Classification Sherloc (09022015). Collection method: clinical testing. Allele origin: germline.
Comment: Algorithms developed to predict the effect of missense changes on protein structure and function are either unavailable or do not agree on the potential impact of this missense change (SIFT: "Deleterious"; PolyPhen-2: "Possibly Damaging"; Align-GVGD: "Class C0"). This sequence change replaces proline with histidine at codon 3080 of the APOB protein (p.Pro3080His). The proline residue is moderately conserved and there is a moderate physicochemical difference between proline and histidine. This variant is not present in population databases (ExAC no frequency). This variant has not been reported in the literature in individuals with APOB-related conditions. ClinVar contains an entry for this variant (Variation ID: 630627). In summary, the available evidence is currently insufficient to determine the role of this variant in disease. Therefore, it has been classified as a Variant of Uncertain Significance.